The following is an entry in ClinVar:

ClinVar aggregate classification (germline): Benign/Likely benign. Review status: criteria provided, multiple submitters, no conflicts (2 of 4 stars). 3 submissions from 3 submitters: Benign (1); Likely benign (1). 1 of the submissions does not count toward it. Last evaluated 2026-01-05.

Conditions:
COL12A1-related disorder. Also called: COL12A1-related condition.
Ullrich congenital muscular dystrophy 2 (UCMD2). Identifiers: Orphanet 75840, MedGen C4225314, MONDO:0014654, OMIM 616470.
Bethlem myopathy 2 (BTHLM2). Identifiers: Orphanet 536516, Orphanet 610, MedGen C4225313, MONDO:0034022, OMIM 616471.

Allele frequency attached by ClinVar (database versions not stated): gnomAD 0.00001 and 0.00018; 1000 Genomes Project 0.00060; ExAC 0.00051; 1000 Genomes Project 30x 0.00062; TOPMed 0.00002.
gnomAD v4.1: 430 of 1,613,788 alleles (0.027%); highest among the groups gnomAD compares: South Asian, 0.45%; 8 homozygotes.

Submissions (3):

Labcorp Genetics (formerly Invitae), Labcorp
Classification: Benign for Bethlem myopathy 2; Ullrich congenital muscular dystrophy 2. Last evaluated: 2026-01-05. Review status: criteria provided, single submitter. Criteria: Invitae Variant Classification Sherloc (09022015). Collection method: clinical testing. Allele origin: germline.

GeneDx
Classification: Likely benign. Last evaluated: 2021-01-29. Review status: criteria provided, single submitter. Criteria: GeneDx Variant Classification Process June 2021. Collection method: clinical testing. Allele origin: germline. Affected: yes.

PreventionGenetics, part of Exact Sciences
Classification: Benign for COL12A1-related condition. Last evaluated: 2019-11-16. Review status: no assertion criteria provided. Collection method: clinical testing. Allele origin: germline. Not counted in ClinVar's aggregate classification.
Comment: This variant is classified as benign based on ACMG/AMP sequence variant interpretation guidelines (Richards et al. 2015 PMID: 25741868, with internal and published modifications).

NM_004370.6(COL12A1):c.1018T>C (p.Leu340=)

Gene: COL12A1 (collagen type XII alpha 1 chain; minus strand). Cytogenetic location: 6q13.
Variant type: single nucleotide variant.
Coding change: c.1018T>C on transcript NM_004370.6 (MANE Select); coding-DNA position 1018, T replaced by C.
Protein change: p.Leu340=; no amino-acid change (leucine 340 retained).
Molecular consequence: synonymous variant. On other transcripts: intron variant (1).
Genome position (GRCh38, 1-based): chr6:75,184,124, A>G on the plus strand (T>C on the coding strand, the complement: COL12A1 is on the minus strand). VCF-style: chr6-75184124-A-G. GRCh37 (hg19) VCF-style: chr6-75893840-A-G.
Other names: c.73+18596T>C (NM_080645.3).
Identifiers: ClinVar variation 1169743 (VCV001169743.13), dbSNP rs578252411, ClinGen allele CA3894281.